The following is an entry in ClinVar:

NM_032444.4(SLX4):c.4836C>T (p.Asp1612=)

Gene: SLX4 (SLX4 structure-specific endonuclease subunit; minus strand). Cytogenetic location: 16p13.3.
Variant type: single nucleotide variant.
Coding change: c.4836C>T on transcript NM_032444.4 (MANE Select); coding-DNA position 4836, C replaced by T.
Protein change: p.Asp1612=; no amino-acid change (aspartic acid 1612 retained).
Molecular consequence: synonymous variant.
Genome position (GRCh38, 1-based): chr16:3,583,414, G>A on the plus strand (C>T on the coding strand, the complement: SLX4 is on the minus strand). VCF-style: chr16-3583414-G-A. GRCh37 (hg19) VCF-style: chr16-3633415-G-A.
Other names: c.4836C>T (LRG_503t1).
Identifiers: ClinVar variation 414719 (VCV000414719.41), dbSNP rs140844106, ClinGen allele CA7865496.

ClinVar aggregate classification (germline): Benign/Likely benign. Review status: criteria provided, multiple submitters, no conflicts (2 of 4 stars). 6 submissions from 6 submitters: Benign (1); Likely benign (5). Last evaluated 2025-11-19.

Conditions:
Fanconi anemia complementation group P. Also called: SLX4-Related Fanconi Anemia. Identifiers: Orphanet 84, MedGen C3469542, MONDO:0013499, OMIM 613951.
Fanconi anemia (FA). Also called: Fanconi's anemia. Identifiers: Orphanet 84, MedGen C0015625, MeSH D005199, MONDO:0019391.

Allele frequency attached by ClinVar (database versions not stated): 1000 Genomes Project 30x 0.00031; 1000 Genomes Project 0.00040; gnomAD 0.00051; ESP Exome Variant Server 0.00054; TOPMed 0.00064.
gnomAD v4.1: 148 of 1,613,790 alleles (0.0092%); highest among the groups gnomAD compares: African/African-American, 0.16%; no homozygotes.

Submissions (6):

Labcorp Genetics (formerly Invitae), Labcorp
Classification: Benign for Fanconi anemia. Last evaluated: 2025-11-19. Review status: criteria provided, single submitter. Criteria: Invitae Variant Classification Sherloc (09022015). Collection method: clinical testing. Allele origin: germline.

CeGaT Center for Human Genetics Tuebingen
Classification: Likely benign. Last evaluated: 2025-08-01. Review status: criteria provided, single submitter. Criteria: CeGaT Center For Human Genetics Tuebingen Variant Classification Criteria Version 2. Collection method: clinical testing. Allele origin: germline. Affected: yes. Observed: 2 variant alleles.
Comment: SLX4: BP4, BP7

Fulgent Genetics
Classification: Likely benign for Fanconi anemia complementation group P. Last evaluated: 2021-10-27. Review status: criteria provided, single submitter. Criteria: ACMG Guidelines, 2015. Collection method: clinical testing. Allele origin: unknown.

Sema4
Classification: Likely benign for Fanconi anemia. Last evaluated: 2021-06-28. Review status: criteria provided, single submitter. Criteria: Sema4 Curation Guidelines. Collection method: curation. Allele origin: germline.

Genetic Services Laboratory, University of Chicago
Classification: Likely benign. Last evaluated: 2017-07-12. Review status: criteria provided, single submitter. Criteria: ACMG Guidelines, 2015. Collection method: clinical testing. Allele origin: germline. Affected: no.

Breakthrough Genomics
Classification: Likely benign. Review status: criteria provided, single submitter. Criteria: ACMG Guidelines, 2015. Collection method: not provided. Allele origin: germline. Inheritance: Autosomal recessive inheritance. Affected: yes.